The following is an entry in ClinVar:

ClinVar aggregate classification (germline): Uncertain significance (1 of 4 stars; one submission).

Submission:

CeGaT Center for Human Genetics Tuebingen
Classification: Uncertain significance. Last evaluated: 2026-03-01. Review status: criteria provided, single submitter. Criteria: CeGaT Center For Human Genetics Tuebingen Variant Classification Criteria Version 2. Collection method: clinical testing. Allele origin: germline. Affected: yes. Observed: 1 variant allele.
Comment: TTN: PM2

NM_001267550.2(TTN):c.83721T>G (p.Ser27907Arg)

Genes: TTN (titin; minus strand), TTN-AS1 (TTN antisense RNA 1; plus strand). Cytogenetic location: 2q31.2.
Variant type: single nucleotide variant.
Coding change: c.83721T>G on transcript NM_001267550.2 (MANE Select); coding-DNA position 83721, T replaced by G.
Protein change: p.Ser27907Arg; replaces serine 27907 with arginine.
Molecular consequence: missense variant.
Genome position (GRCh38, 1-based): chr2:178,562,411, A>C on the plus strand (T>G on the coding strand, the complement: TTN is on the minus strand). VCF-style: chr2-178562411-A-C. GRCh37 (hg19) VCF-style: chr2-179427138-A-C.
Other names: c.78798T>G, p.Ser26266Arg (NM_001256850.1); c.56526T>G, p.Ser18842Arg (NM_003319.4); c.76017T>G, p.Ser25339Arg (NM_133378.4); c.56901T>G, p.Ser18967Arg (NM_133432.3); c.57102T>G, p.Ser19034Arg (NM_133437.4); short protein forms S18842R, S18967R, S19034R, S25339R, S26266R, S27907R.
Identifiers: ClinVar variation 4823323 (VCV004823323.4).
Genomic context (GRCh38, chr2:178,562,411, plus strand): 5'-AGTTAAGCCAGATATAGTTGCTTCTAGAGTCTTAACTTGTGTGCAGGTGCTCCACTTTTC[A>C]CTCCCTTTAGTCTGCATTTCAACCACATAACCAGTAATTTTGCTGCCACCATCACTTTCT-3'
Protein context (NP_001254479.2, residues 27897-27917): GYVVEMQTKG[Ser27907Arg]EKWSTCTQVK